The following is an entry in ClinVar:

NM_001384474.1(LOXHD1):c.6072G>A (p.Thr2024=)

Gene: LOXHD1 (lipoxygenase homology PLAT domains 1; minus strand). Cytogenetic location: 18q21.1.
Variant type: single nucleotide variant.
Coding change: c.6072G>A on transcript NM_001384474.1 (MANE Select); coding-DNA position 6072, G replaced by A.
Protein change: p.Thr2024=; no amino-acid change (threonine 2024 retained).
Molecular consequence: synonymous variant.
Genome position (GRCh38, 1-based): chr18:46,485,129, C>T on the plus strand (G>A on the coding strand, the complement: LOXHD1 is on the minus strand). VCF-style: chr18-46485129-C-T. GRCh37 (hg19) VCF-style: chr18-44065092-C-T.
Other names: c.2739G>A, p.Thr913= (NM_001145472.3); c.789G>A, p.Thr263= (NM_001145473.3, NM_001173129.2); c.2451G>A, p.Thr817= (NM_001308013.2); c.5886G>A, p.Thr1962= (NM_144612.7).
Identifiers: ClinVar variation 505991 (VCV000505991.12), dbSNP rs1376734175, ClinGen allele CA503808281.
Genomic context (GRCh38, chr18:46,485,129, plus strand): 5'-TCGGTTCTTCCTGCCCTCCAGGATGAGCCAGACGTTCTCCCTGGTTTCGCCTCCGTTGCC[C>T]GTTTCTATGACGATCTCGTAGGCTGTAATGGAGGAGGTGGGGGAGGGTCAGCACAGGGGA-3'
Protein context (NP_001371403.1, residues 2014-2034): EETTYEIVIE[Thr2024=]GNGGETRENV

ClinVar aggregate classification (germline): Likely benign. Review status: criteria provided, multiple submitters, no conflicts (2 of 4 stars). 2 submissions from 2 submitters: Likely benign (2). Last evaluated 2023-08-20.

Allele frequency attached by ClinVar (database versions not stated): gnomAD 0.00001; gnomAD exomes 0.00001; TOPMed 0.00001.
gnomAD v4.1: 12 of 1,549,522 alleles (0.00077%); highest among the groups gnomAD compares: Admixed American, 0.004%; 1 homozygote.

Submissions (2):

Labcorp Genetics (formerly Invitae), Labcorp
Classification: Likely benign. Last evaluated: 2023-08-20. Review status: criteria provided, single submitter. Criteria: Invitae Variant Classification Sherloc (09022015). Collection method: clinical testing. Allele origin: germline.

Laboratory for Molecular Medicine, Mass General Brigham Personalized Medicine
Classification: Likely benign. Last evaluated: 2017-09-02. Review status: criteria provided, single submitter. Criteria: LMM Criteria. Collection method: clinical testing. Allele origin: germline. Observed: 1 variant allele.
Comment: p.Thr1962Thr in exon 38 of LOXHD1: This variant is not expected to have clinical significance because it does not alter an amino acid residue and is not located within the splice consensus sequence. It has been identified in 1/58842 of Euro pean chromosomes by the Genome Aggregation Database (gnomAD).